The following is an entry in ClinVar:

ClinVar aggregate classification (germline): Uncertain significance. Review status: criteria provided, multiple submitters, no conflicts (2 of 4 stars). 2 submissions from 2 submitters: Uncertain significance (2). Last evaluated 2026-05-14.

Conditions:
Inborn genetic diseases. Identifiers: MedGen C0950123, MeSH D030342.
Baller-Gerold syndrome (BGS). Also called: CRANIOSYNOSTOSIS WITH RADIAL DEFECTS. Identifiers: Orphanet 1225, MedGen C0265308, MONDO:0009039, OMIM 218600.

Submissions (2):

Ambry Genetics
Classification: Uncertain significance for Inborn genetic diseases. Last evaluated: 2026-05-14. Review status: criteria provided, single submitter. Criteria: Ambry Variant Classification Scheme 2023. Collection method: clinical testing. Allele origin: germline.
Comment: The p.Q12H variant (also known as c.36G>C), located in coding exon 1 of the RECQL4 gene, results from a G to C substitution at nucleotide position 36. The glutamine at codon 12 is replaced by histidine, an amino acid with highly similar properties. This amino acid position is conserved. In addition, this alteration is predicted to be tolerated by in silico analysis. Based on the available evidence, the clinical significance of this variant remains unclear.

Labcorp Genetics (formerly Invitae), Labcorp
Classification: Uncertain significance for Baller-Gerold syndrome. Last evaluated: 2022-09-20. Review status: criteria provided, single submitter. Criteria: Invitae Variant Classification Sherloc (09022015). Collection method: clinical testing. Allele origin: germline.
Comment: In summary, the available evidence is currently insufficient to determine the role of this variant in disease. Therefore, it has been classified as a Variant of Uncertain Significance. Experimental studies and prediction algorithms are not available or were not evaluated, and the functional significance of this variant is currently unknown. This variant has not been reported in the literature in individuals affected with RECQL4-related conditions. This variant is not present in population databases (gnomAD no frequency). This sequence change replaces glutamine, which is neutral and polar, with histidine, which is basic and polar, at codon 12 of the RECQL4 protein (p.Gln12His).

NM_004260.4(RECQL4):c.36G>C (p.Gln12His)

Genes: RECQL4 (RecQ like helicase 4; minus strand), LOC130001411 (ATAC-STARR-seq lymphoblastoid silent region 19699; plus strand). Cytogenetic location: 8q24.3.
Variant type: single nucleotide variant.
Coding change: c.36G>C on transcript NM_004260.4 (MANE Select); coding-DNA position 36, G replaced by C.
Protein change: p.Gln12His; replaces glutamine 12 with histidine.
Molecular consequence: missense variant.
Genome position (GRCh38, 1-based): chr8:144,517,749, C>G on the plus strand (G>C on the coding strand, the complement: RECQL4 is on the minus strand). VCF-style: chr8-144517749-C-G. GRCh37 (hg19) VCF-style: chr8-145743133-C-G.
Other names: c.36G>C (NM_004260.3); c.36G>C, p.Gln12His (NM_001413017.1, NM_001413033.1, NM_001413036.1 and 6 more transcripts); c.-1163G>C (NM_001413031.1, NM_001413041.1, NM_001413030.1); c.-995G>C (NM_001413032.1); c.-1005G>C (NM_001413034.1); c.-933G>C (NM_001413035.1); c.-1101G>C (NM_001413037.1, NM_001413038.1, NM_001413042.1 and 2 more transcripts); c.-1006G>C (NM_001413040.1); and 5 more; short protein forms Q12H.
Identifiers: ClinVar variation 1986941 (VCV001986941.5), dbSNP rs2538134118, ClinGen allele CA372693890.